The following is an entry in ClinVar:

ClinVar aggregate classification (germline): Uncertain significance (1 of 4 stars; one submission).

Conditions:
Seizures, benign familial infantile, 3 (BFIS3). Also called: CONVULSIONS, BENIGN FAMILIAL INFANTILE, 3; Familial neonatal seizures. Identifiers: Orphanet 140927, Orphanet 306, MedGen C1843140, MONDO:0011904, OMIM 607745.
Developmental and epileptic encephalopathy, 11 (DEE11). Also called: Early infantile epileptic encephalopathy 11. Identifiers: Orphanet 1934, MedGen C3150987, MONDO:0013388, OMIM 613721.

Allele frequency attached by ClinVar (database versions not stated): gnomAD exomes below 0.00001.

Submissions (2):

Labcorp Genetics (formerly Invitae), Labcorp
Classification: Uncertain significance for Seizures, benign familial infantile, 3; Developmental and epileptic encephalopathy, 11. Last evaluated: 2020-01-15. Review status: criteria provided, single submitter. Criteria: Invitae Variant Classification Sherloc (09022015). Collection method: clinical testing. Allele origin: germline.
Comment: In summary, the available evidence is currently insufficient to determine the role of this variant in disease. Therefore, it has been classified as a Variant of Uncertain Significance. Algorithms developed to predict the effect of missense changes on protein structure and function are either unavailable or do not agree on the potential impact of this missense change (SIFT: "Deleterious"; PolyPhen-2: "Benign"; Align-GVGD: "Class C0"). This variant has not been reported in the literature in individuals with SCN2A-related conditions. This variant is not present in population databases (ExAC no frequency). This sequence change replaces methionine with isoleucine at codon 1538 of the SCN2A protein (p.Met1538Ile). The methionine residue is highly conserved and there is a small physicochemical difference between methionine and isoleucine.

Channelopathy-Associated Epilepsy Research Center
No classification provided (evidence only). Condition: Complex neurodevelopmental disorder. Review status: no classification provided. Collection method: literature only. Allele origin: not applicable. Functional consequence: Mild decrease in peak current, Normal voltage dependence of activation, Increase in slope of activation, Mild depolarizing shift of voltage dependence of fast inactivation, Increase in slope of fast inactivation, Normal rate of recovery from fast inactivation, Slowing of recovery from slow inactivation, Mild slowing of fast inactivation, Normal ramp current, Normal persistent current. Not counted in ClinVar's aggregate classification.
ClinVar note: "not provided" was previously submitted as the classification for the variant. However, the classification appeared to be based only on an observation of functional data so it was converted to no classification on 2025-07-30.

Literature cited by the submitters: PubMed 37578743 (cited by Channelopathy-Associated Epilepsy Research Center).

NM_001040142.2(SCN2A):c.4614G>C (p.Met1538Ile)

Gene: SCN2A (sodium voltage-gated channel alpha subunit 2; plus strand). Cytogenetic location: 2q24.3.
Variant type: single nucleotide variant.
Coding change: c.4614G>C on transcript NM_001040142.2 (MANE Select); coding-DNA position 4614, G replaced by C.
Protein change: p.Met1538Ile; replaces methionine 1538 with isoleucine.
Molecular consequence: missense variant.
Genome position (GRCh38, 1-based): chr2:165,386,808, G>C. VCF-style: chr2-165386808-G-C. GRCh37 (hg19) VCF-style: chr2-166243318-G-C.
Other names: c.4614G>C, p.Met1538Ile (NM_001040143.2, NM_001371246.1, NM_001371247.1 and 1 more transcripts); short protein forms M1538I.
Identifiers: ClinVar variation 207010 (VCV000207010.13), dbSNP rs1553463042, ClinGen allele CA317991.